The following is an entry in ClinVar:

NM_005198.5(CHKB):c.224+1G>A

Genes: CHKB-CPT1B (CHKB-CPT1B readthrough (NMD candidate); minus strand), CHKB (choline kinase beta; minus strand). Cytogenetic location: 22q13.33.
Variant type: single nucleotide variant.
Coding change: c.224+1G>A on transcript NM_005198.5 (MANE Select); the canonical splice donor site of the intron after coding-DNA position 224, G replaced by A.
Molecular consequence: splice donor variant.
Genome position (GRCh38, 1-based): chr22:50,582,557, C>T on the plus strand (G>A on the coding strand, the complement: CHKB is on the minus strand). VCF-style: chr22-50582557-C-T. GRCh37 (hg19) VCF-style: chr22-51020986-C-T.
Identifiers: ClinVar variation 2863302 (VCV002863302.3), dbSNP rs1406122283, ClinGen allele CA412202897.

ClinVar aggregate classification (germline): Pathogenic (1 of 4 stars; one submission).

Conditions:
Megaconial type congenital muscular dystrophy (MDCMC). Also called: CHKB-Related Muscular Dystrophy; CHKB-Related Muscle Diseases; MUSCULAR DYSTROPHY, CONGENITAL, WITH MITOCHONDRIAL STRUCTURAL ABNORMALITIES. Identifiers: Orphanet 280671, MedGen C1865233, MONDO:0011246, OMIM 602541.

Allele frequency attached by ClinVar (database versions not stated): TOPMed below 0.00001; gnomAD 0.00001.
gnomAD v4.1: 1 of 1,606,918 alleles (0.000062%); highest among the groups gnomAD compares: Non-Finnish European, 0.000085%; no homozygotes.

Submission:

Labcorp Genetics (formerly Invitae), Labcorp
Classification: Pathogenic for Megaconial type congenital muscular dystrophy. Last evaluated: 2023-09-20. Review status: criteria provided, single submitter. Criteria: Invitae Variant Classification Sherloc (09022015). Collection method: clinical testing. Allele origin: germline.
Comment: For these reasons, this variant has been classified as Pathogenic. Algorithms developed to predict the effect of sequence changes on RNA splicing suggest that this variant may disrupt the consensus splice site. Disruption of this splice site has been observed in individual(s) with congenital muscular dystrophy, megaconial type (PMID: 33712684). It has also been observed to segregate with disease in related individuals. This variant is not present in population databases (gnomAD no frequency). This sequence change affects a donor splice site in intron 1 of the CHKB gene. It is expected to disrupt RNA splicing. Variants that disrupt the donor or acceptor splice site typically lead to a loss of protein function (PMID: 16199547), and loss-of-function variants in CHKB are known to be pathogenic (PMID: 21665002).

Literature cited by the submitters: PubMed 33712684; PubMed 16199547; PubMed 21665002.